The following is an entry in ClinVar:

NM_015001.3(SPEN):c.1703C>T (p.Ala568Val)

Gene: SPEN (spen family transcriptional repressor; plus strand). Cytogenetic location: 1p36.13.
Variant type: single nucleotide variant.
Coding change: c.1703C>T on transcript NM_015001.3 (MANE Select); coding-DNA position 1703, C replaced by T.
Protein change: p.Ala568Val; replaces alanine 568 with valine.
Molecular consequence: missense variant.
Genome position (GRCh38, 1-based): chr1:15,920,937, C>T. VCF-style: chr1-15920937-C-T. GRCh37 (hg19) VCF-style: chr1-16247432-C-T.
Other names: short protein forms A568V.
Identifiers: ClinVar variation 2430922 (VCV002430922.1), dbSNP rs1454664307, ClinGen allele CA338622033.

ClinVar aggregate classification (germline): Uncertain significance (1 of 4 stars; one submission).

Allele frequency attached by ClinVar (database versions not stated): gnomAD exomes below 0.00001; gnomAD 0.00001; TOPMed 0.00001.
gnomAD v4.1: 2 of 1,612,912 alleles (0.00012%); highest among the groups gnomAD compares: East Asian, 0.0022%; no homozygotes.

Submission:

GeneDx
Classification: Uncertain significance. Last evaluated: 2022-08-12. Review status: criteria provided, single submitter. Criteria: GeneDx Variant Classification Process June 2021. Collection method: clinical testing. Allele origin: germline. Affected: yes.
Comment: Identified in a patient from a cohort of individuals with neurodevelopmental disorders in published literature, though clinical details were not provided and parental samples were not available for segregation analysis (Wang et al., 2020); Not observed at significant frequency in large population cohorts (gnomAD); In silico analysis supports that this missense variant has a deleterious effect on protein structure/function; This variant is associated with the following publications: (PMID: 33004838)